The following is an entry in ClinVar:

NM_017612.5(ZCCHC8):c.385A>G (p.Asn129Asp)

Gene: ZCCHC8 (zinc finger CCHC-type containing 8; minus strand). Cytogenetic location: 12q24.31.
Variant type: single nucleotide variant.
Coding change: c.385A>G on transcript NM_017612.5 (MANE Select); coding-DNA position 385, A replaced by G.
Protein change: p.Asn129Asp; replaces asparagine 129 with aspartic acid.
Molecular consequence: missense variant. On other transcripts: 5 prime UTR variant (1), intron variant (1).
Genome position (GRCh38, 1-based): chr12:122,490,500, T>C on the plus strand (A>G on the coding strand, the complement: ZCCHC8 is on the minus strand). VCF-style: chr12-122490500-T-C. GRCh37 (hg19) VCF-style: chr12-122975047-T-C.
Other names: c.385A>G, p.Asn129Asp (NM_001350935.2); c.88A>G, p.Asn30Asp (NM_001350936.2); c.-160A>G (NM_001350937.2); c.-121-1037A>G (NM_001350938.2); short protein forms N129D, N30D.
Identifiers: ClinVar variation 3677241 (VCV003677241.2).

ClinVar aggregate classification (germline): Uncertain significance (1 of 4 stars; one submission).

gnomAD v4.1: 1 of 1,612,948 alleles (0.000062%); highest among the groups gnomAD compares: Non-Finnish European, 0.000085%; no homozygotes.

Submission:

Labcorp Genetics (formerly Invitae), Labcorp
Classification: Uncertain significance. Last evaluated: 2024-05-13. Review status: criteria provided, single submitter. Criteria: Invitae Variant Classification Sherloc (09022015). Collection method: clinical testing. Allele origin: germline.
Comment: This sequence change replaces asparagine, which is neutral and polar, with aspartic acid, which is acidic and polar, at codon 129 of the ZCCHC8 protein (p.Asn129Asp). This variant is not present in population databases (gnomAD no frequency). This variant has not been reported in the literature in individuals affected with ZCCHC8-related conditions. Advanced modeling of protein sequence and biophysical properties (such as structural, functional, and spatial information, amino acid conservation, physicochemical variation, residue mobility, and thermodynamic stability) performed at Invitae indicates that this missense variant is not expected to disrupt ZCCHC8 protein function with a negative predictive value of 80%. In summary, the available evidence is currently insufficient to determine the role of this variant in disease. Therefore, it has been classified as a Variant of Uncertain Significance.